The following is an entry in ClinVar:

ClinVar aggregate classification (germline): Uncertain significance (1 of 4 stars; one submission).

Conditions:
Glucose-6-phosphate transport defect (GSD1B). Also called: Glycogen Storage Disease Type Ib; GSD Ib. Identifiers: Orphanet 364, Orphanet 79259, MedGen C0268146, MONDO:0009288, OMIM 232220.

Allele frequency attached by ClinVar (database versions not stated): ExAC 0.00001.

Submission:

Labcorp Genetics (formerly Invitae), Labcorp
Classification: Uncertain significance for Glucose-6-phosphate transport defect. Last evaluated: 2025-01-13. Review status: criteria provided, single submitter. Criteria: Invitae Variant Classification Sherloc (09022015). Collection method: clinical testing. Allele origin: germline.
Comment: This sequence change replaces glutamic acid, which is acidic and polar, with aspartic acid, which is acidic and polar, at codon 205 of the SLC37A4 protein (p.Glu205Asp). This variant is present in population databases (rs773985792, gnomAD 0.0009%). This variant has not been reported in the literature in individuals affected with SLC37A4-related conditions. ClinVar contains an entry for this variant (Variation ID: 2764459). Invitae Evidence Modeling of protein sequence and biophysical properties (such as structural, functional, and spatial information, amino acid conservation, physicochemical variation, residue mobility, and thermodynamic stability) indicates that this missense variant is not expected to disrupt SLC37A4 protein function with a negative predictive value of 80%. In summary, the available evidence is currently insufficient to determine the role of this variant in disease. Therefore, it has been classified as a Variant of Uncertain Significance.

NM_001164277.2(SLC37A4):c.615G>C (p.Glu205Asp)

Gene: SLC37A4 (solute carrier family 37 member 4; minus strand). Cytogenetic location: 11q23.3.
Variant type: single nucleotide variant.
Coding change: c.615G>C on transcript NM_001164277.2 (MANE Select); coding-DNA position 615, G replaced by C.
Protein change: p.Glu205Asp; replaces glutamic acid 205 with aspartic acid.
Molecular consequence: missense variant.
Genome position (GRCh38, 1-based): chr11:119,027,638, C>G on the plus strand (G>C on the coding strand, the complement: SLC37A4 is on the minus strand). VCF-style: chr11-119027638-C-G. GRCh37 (hg19) VCF-style: chr11-118898348-C-G.
Other names: c.615G>C, p.Glu205Asp (NM_001164278.2, NM_001164280.2, NM_001467.6); c.396G>C, p.Glu132Asp (NM_001164279.2); short protein forms E205D, E132D.
Identifiers: ClinVar variation 2764459 (VCV002764459.3), dbSNP rs773985792, ClinGen allele CA6311794.